The following is an entry in ClinVar:

ClinVar aggregate classification (germline): Likely benign (1 of 4 stars; one submission).

Conditions:
FANCI-related disorder. Also called: FANCI-related condition.

Submission:

PreventionGenetics, part of Exact Sciences
Classification: Likely benign for FANCI-related condition. Last evaluated: 2024-11-18. Review status: criteria provided, single submitter. Criteria: ACMG Guidelines, 2015. Collection method: clinical testing. Allele origin: germline.
Comment: This variant is classified as likely benign based on ACMG/AMP sequence variant interpretation guidelines (Richards et al. 2015 PMID: 25741868, with internal and published modifications).

NM_001113378.2(FANCI):c.3495C>T (p.Asp1165=)

Gene: FANCI (FA complementation group I; plus strand). Cytogenetic location: 15q26.1.
Variant type: single nucleotide variant.
Coding change: c.3495C>T on transcript NM_001113378.2 (MANE Select); coding-DNA position 3495, C replaced by T.
Protein change: p.Asp1165=; no amino-acid change (aspartic acid 1165 retained).
Molecular consequence: synonymous variant.
Genome position (GRCh38, 1-based): chr15:89,306,152, C>T. VCF-style: chr15-89306152-C-T. GRCh37 (hg19) VCF-style: chr15-89849383-C-T.
Other names: c.3216C>T, p.Asp1072= (NM_001376910.1); c.3495C>T, p.Asp1165= (NM_001376911.1); c.3315C>T, p.Asp1105= (NM_018193.3).
Identifiers: ClinVar variation 4996962 (VCV004996962.1).